The following is an entry in ClinVar:

ClinVar aggregate classification (germline): Likely benign (0 of 4 stars; one submission).

Conditions:
SEMA3F-related disorder. Also called: SEMA3F-related condition.

Allele frequency attached by ClinVar (database versions not stated): gnomAD exomes 0.00007; ExAC 0.00023; 1000 Genomes Project 0.00060; 1000 Genomes Project 30x 0.00062; gnomAD 0.00081; TOPMed 0.00087; ESP Exome Variant Server 0.00115.
gnomAD v4.1: 229 of 1,613,256 alleles (0.014%); highest among the groups gnomAD compares: African/African-American, 0.29%; 1 homozygote.

Submission:

PreventionGenetics, part of Exact Sciences
Classification: Likely benign for SEMA3F-related condition. Last evaluated: 2022-02-15. Review status: no assertion criteria provided. Collection method: clinical testing. Allele origin: germline.
Comment: This variant is classified as likely benign based on ACMG/AMP sequence variant interpretation guidelines (Richards et al. 2015 PMID: 25741868, with internal and published modifications).

NM_004186.5(SEMA3F):c.55T>C (p.Ser19Pro)

Gene: SEMA3F (semaphorin 3F; plus strand). Cytogenetic location: 3p21.31.
Variant type: single nucleotide variant.
Coding change: c.55T>C on transcript NM_004186.5 (MANE Select); coding-DNA position 55, T replaced by C.
Protein change: p.Ser19Pro; replaces serine 19 with proline.
Molecular consequence: missense variant. On other transcripts: intron variant (1).
Genome position (GRCh38, 1-based): chr3:50,159,677, T>C. VCF-style: chr3-50159677-T-C. GRCh37 (hg19) VCF-style: chr3-50197110-T-C.
Other names: c.55T>C, p.Ser19Pro (NM_001318800.2); c.-135-15T>C (NM_001318798.2); short protein forms S19P.
Identifiers: ClinVar variation 3054991 (VCV003054991.2), dbSNP rs140721147, ClinGen allele CA2411607.